The following is an entry in ClinVar:

ClinVar aggregate classification (germline): Uncertain significance. Review status: criteria provided, multiple submitters, no conflicts (2 of 4 stars). 2 submissions from 2 submitters: Uncertain significance (2). Last evaluated 2025-04-03.

Conditions:
Hereditary cancer-predisposing syndrome. Also called: Hereditary neoplastic syndrome; Hereditary Cancer Syndrome; Neoplastic Syndromes, Hereditary; Tumor predisposition. Identifiers: Orphanet 140162, MedGen C0027672, MeSH D009386, MONDO:0015356.

Submissions (2):

Ambry Genetics
Classification: Uncertain significance for Hereditary cancer-predisposing syndrome. Last evaluated: 2025-04-03. Review status: criteria provided, single submitter. Criteria: Ambry Variant Classification Scheme 2023. Collection method: clinical testing. Allele origin: germline.

Labcorp Genetics (formerly Invitae), Labcorp
Classification: Uncertain significance. Last evaluated: 2021-07-02. Review status: criteria provided, single submitter. Criteria: Invitae Variant Classification Sherloc (09022015). Collection method: clinical testing. Allele origin: germline.
Comment: This sequence change replaces arginine with glycine at codon 1631 of the POLE protein (p.Arg1631Gly). The arginine residue is highly conserved and there is a moderate physicochemical difference between arginine and glycine. This variant is not present in population databases (ExAC no frequency). This variant has not been reported in the literature in individuals with POLE-related conditions. Algorithms developed to predict the effect of missense changes on protein structure and function are either unavailable or do not agree on the potential impact of this missense change (SIFT: "Deleterious"; PolyPhen-2: "Benign"; Align-GVGD: "Class C0"). In summary, the available evidence is currently insufficient to determine the role of this variant in disease. Therefore, it has been classified as a Variant of Uncertain Significance.

NM_006231.4(POLE):c.4891C>G (p.Arg1631Gly)

Gene: POLE (DNA polymerase epsilon, catalytic subunit; minus strand). Cytogenetic location: 12q24.33.
Variant type: single nucleotide variant.
Coding change: c.4891C>G on transcript NM_006231.4 (MANE Select); coding-DNA position 4891, C replaced by G.
Protein change: p.Arg1631Gly; replaces arginine 1631 with glycine.
Molecular consequence: missense variant.
Genome position (GRCh38, 1-based): chr12:132,642,567, G>C on the plus strand (C>G on the coding strand, the complement: POLE is on the minus strand). VCF-style: chr12-132642567-G-C. GRCh37 (hg19) VCF-style: chr12-133219153-G-C.
Other names: short protein forms R1631G.
Identifiers: ClinVar variation 1406910 (VCV001406910.11), dbSNP rs565413729, ClinGen allele CA387378006.